The following is an entry in ClinVar:

ClinVar aggregate classification (germline): Uncertain significance (1 of 4 stars; one submission).

Conditions:
Wilms tumor 1 (WT1). Also called: Wilms tumor, somatic. Identifiers: Orphanet 654, MedGen CN033288, MONDO:0008679, OMIM 194070.

Submission:

Labcorp Genetics (formerly Invitae), Labcorp
Classification: Uncertain significance for Wilms tumor 1. Last evaluated: 2020-06-07. Review status: criteria provided, single submitter. Criteria: Invitae Variant Classification Sherloc (09022015). Collection method: clinical testing. Allele origin: germline.
Comment: This variant is not present in population databases (ExAC no frequency). This variant has not been reported in the literature in individuals with GPC3-related conditions. Algorithms developed to predict the effect of missense changes on protein structure and function (SIFT, PolyPhen-2, Align-GVGD) all suggest that this variant is likely to be tolerated, but these predictions have not been confirmed by published functional studies and their clinical significance is uncertain. In summary, the available evidence is currently insufficient to determine the role of this variant in disease. Therefore, it has been classified as a Variant of Uncertain Significance. This sequence change replaces histidine with leucine at codon 377 of the GPC3 protein (p.His377Leu). The histidine residue is weakly conserved and there is a moderate physicochemical difference between histidine and leucine.

NM_004484.4(GPC3):c.1130A>T (p.His377Leu)

Gene: GPC3 (glypican 3; minus strand). Cytogenetic location: Xq26.2.
Variant type: single nucleotide variant.
Coding change: c.1130A>T on transcript NM_004484.4 (MANE Select); coding-DNA position 1130, A replaced by T.
Protein change: p.His377Leu; replaces histidine 377 with leucine.
Molecular consequence: missense variant.
Genome position (GRCh38, 1-based): chrX:133,699,931, T>A on the plus strand (A>T on the coding strand, the complement: GPC3 is on the minus strand). VCF-style: chrX-133699931-T-A. GRCh37 (hg19) VCF-style: chrX-132833959-T-A.
Other names: c.1199A>T, p.His400Leu (NM_001164617.2); c.1082A>T, p.His361Leu (NM_001164618.2); c.968A>T, p.His323Leu (NM_001164619.2); short protein forms H323L, H361L, H377L, H400L.
Identifiers: ClinVar variation 961116 (VCV000961116.10), dbSNP rs1060502172, ClinGen allele CA414699593.
Genomic context (GRCh38, chrX:133,699,931, plus strand): 5'-ATAAAGAAAAAAGAAACCTCTCACCTTCTTCGGCTGGATAAGGTTTCTTCATGTTCTACA[T>A]GAGCAACTTTTAATACTTTCTTGTCAATAAAGAGATCTTCAGGATAATAAGCAGATCTAT-3'
Protein context (NP_004475.1, residues 367-387): FIDKKVLKVA[His377Leu]VEHEETLSSR